The following is an entry in ClinVar:

NM_001375405.1(CEP120):c.65A>G (p.Lys22Arg)

Gene: CEP120 (centrosomal protein 120; minus strand). Cytogenetic location: 5q23.2.
Variant type: single nucleotide variant.
Coding change: c.65A>G on transcript NM_001375405.1 (MANE Select); coding-DNA position 65, A replaced by G.
Protein change: p.Lys22Arg; replaces lysine 22 with arginine.
Molecular consequence: missense variant. On other transcripts: 5 prime UTR variant (3), non-coding transcript variant (1).
Genome position (GRCh38, 1-based): chr5:123,418,500, T>C on the plus strand (A>G on the coding strand, the complement: CEP120 is on the minus strand). VCF-style: chr5-123418500-T-C. GRCh37 (hg19) VCF-style: chr5-122754194-T-C.
Other names: c.-14A>G (NM_001166226.2); c.65A>G, p.Lys22Arg (NM_001375406.1, NM_001375407.1, NM_153223.4); c.-684A>G (NM_001375408.1); c.-626A>G (NM_001375409.1); c.65A>G (NM_153223.3); short protein forms K22R.
Identifiers: ClinVar variation 1407726 (VCV001407726.7), dbSNP rs763850647, ClinGen allele CA3387350.

ClinVar aggregate classification (germline): Uncertain significance. Review status: criteria provided, multiple submitters, no conflicts (2 of 4 stars). 2 submissions from 2 submitters: Uncertain significance (2). Last evaluated 2025-10-15.

Conditions:
Inborn genetic diseases. Identifiers: MedGen C0950123, MeSH D030342.
Short-rib thoracic dysplasia 13 with or without polydactyly (SRTD13). Identifiers: Orphanet 474, MedGen C4225378, MONDO:0014577, OMIM 616300.

Allele frequency attached by ClinVar (database versions not stated): gnomAD exomes 0.00002 and 0.00001; gnomAD 0.00001; ExAC 0.00002; TOPMed below 0.00001.
gnomAD v4.1: 15 of 1,603,826 alleles (0.00094%); highest among the groups gnomAD compares: Middle Eastern, 0.033%; no homozygotes.

Submissions (2):

Ambry Genetics
Classification: Uncertain significance for Inborn genetic diseases. Last evaluated: 2025-10-15. Review status: criteria provided, single submitter. Criteria: Ambry Variant Classification Scheme 2023. Collection method: clinical testing. Allele origin: germline.

Labcorp Genetics (formerly Invitae), Labcorp
Classification: Uncertain significance for Short-rib thoracic dysplasia 13 with or without polydactyly. Last evaluated: 2023-05-22. Review status: criteria provided, single submitter. Criteria: Invitae Variant Classification Sherloc (09022015). Collection method: clinical testing. Allele origin: germline.
Comment: In summary, the available evidence is currently insufficient to determine the role of this variant in disease. Therefore, it has been classified as a Variant of Uncertain Significance. Advanced modeling of protein sequence and biophysical properties (such as structural, functional, and spatial information, amino acid conservation, physicochemical variation, residue mobility, and thermodynamic stability) performed at Invitae indicates that this missense variant is not expected to disrupt CEP120 protein function. ClinVar contains an entry for this variant (Variation ID: 1407726). This variant has not been reported in the literature in individuals affected with CEP120-related conditions. This variant is present in population databases (rs763850647, gnomAD 0.005%). This sequence change replaces lysine, which is basic and polar, with arginine, which is basic and polar, at codon 22 of the CEP120 protein (p.Lys22Arg).